The following is an entry in ClinVar:

ClinVar aggregate classification (germline): Uncertain significance. Review status: criteria provided, multiple submitters, no conflicts (2 of 4 stars). 2 submissions from 2 submitters: Uncertain significance (2). Last evaluated 2025-03-04.

Conditions:
Hereditary cancer-predisposing syndrome. Also called: Neoplastic Syndromes, Hereditary; Tumor predisposition; Hereditary Cancer Syndrome; Hereditary neoplastic syndrome. Identifiers: Orphanet 140162, MedGen C0027672, MeSH D009386, MONDO:0015356.

Submissions (2):

Center for Genomic Medicine, Rigshospitalet, Copenhagen University Hospital
Classification: Uncertain significance. Last evaluated: 2025-03-04. Review status: criteria provided, single submitter. Criteria: ACMG Guidelines, 2015. Collection method: clinical testing. Allele origin: germline.

Ambry Genetics
Classification: Uncertain significance for Hereditary cancer-predisposing syndrome. Last evaluated: 2025-02-27. Review status: criteria provided, single submitter. Criteria: Ambry Variant Classification Scheme 2023. Collection method: clinical testing. Allele origin: germline.
Comment: The c.-2A>C variant is located in the 5' untranslated region (5&rsquo; UTR) of the CDKN2A gene. This variant results from an A to C substitution 2 bases upstream from the first translated codon. This nucleotide position is not well conserved in available vertebrate species. Based on the available evidence, the clinical significance of this variant remains unclear.

NM_058195.4(CDKN2A):c.-2A>C

Gene: CDKN2A (cyclin dependent kinase inhibitor 2A; minus strand). Cytogenetic location: 9p21.3.
Variant type: single nucleotide variant.
Coding change: c.-2A>C on transcript NM_058195.4 (MANE Plus Clinical); 2 bases upstream of the start codon, A replaced by C.
Molecular consequence: 5 prime UTR variant. On other transcripts: intron variant (1).
Genome position (GRCh38, 1-based): chr9:21,994,333, T>G on the plus strand (A>C on the coding strand, the complement: CDKN2A is on the minus strand). VCF-style: chr9-21994333-T-G. GRCh37 (hg19) VCF-style: chr9-21994332-T-G.
Other names: c.-4+488A>C (NM_001363763.2).
Identifiers: ClinVar variation 3765464 (VCV003765464.2).